The following is an entry in ClinVar:

ClinVar aggregate classification (germline): Uncertain significance. Review status: criteria provided, multiple submitters, no conflicts (2 of 4 stars). 2 submissions from 2 submitters: Uncertain significance (2). Last evaluated 2024-05-09.

Conditions:
Spastic paraplegia. Identifiers: MedGen C0037772, HP:0001258.

gnomAD v4.1: 72 of 1,614,010 alleles (0.0045%); highest among the groups gnomAD compares: Non-Finnish European, 0.006%; no homozygotes.

Submissions (2):

GeneDx
Classification: Uncertain significance. Last evaluated: 2024-05-09. Review status: criteria provided, single submitter. Criteria: GeneDx Variant Classification Process June 2021. Collection method: clinical testing. Allele origin: germline. Affected: yes.
Comment: Not observed at significant frequency in large population cohorts (gnomAD); In silico analysis supports a deleterious effect on splicing; In silico analysis indicates that this missense variant does not alter protein structure/function; Has not been previously published as pathogenic or benign to our knowledge

Labcorp Genetics (formerly Invitae), Labcorp
Classification: Uncertain significance for Spastic paraplegia. Last evaluated: 2021-11-01. Review status: criteria provided, single submitter. Criteria: Invitae Variant Classification Sherloc (09022015). Collection method: clinical testing. Allele origin: germline.
Comment: This sequence change replaces histidine, which is basic and polar, with glutamine, which is neutral and polar, at codon 437 of the ZFYVE26 protein (p.His437Gln). This variant is present in population databases (rs148836697, gnomAD 0.007%). This variant has not been reported in the literature in individuals affected with ZFYVE26-related conditions. Algorithms developed to predict the effect of missense changes on protein structure and function are either unavailable or do not agree on the potential impact of this missense change (SIFT: "Deleterious"; PolyPhen-2: "Possibly Damaging"; Align-GVGD: "Class C0"). Algorithms developed to predict the effect of sequence changes on RNA splicing suggest that this variant may create or strengthen a splice site. In summary, the available evidence is currently insufficient to determine the role of this variant in disease. Therefore, it has been classified as a Variant of Uncertain Significance.

NM_015346.4(ZFYVE26):c.1311C>A (p.His437Gln)

Gene: ZFYVE26 (zinc finger FYVE-type containing 26; minus strand). Cytogenetic location: 14q24.1.
Variant type: single nucleotide variant.
Coding change: c.1311C>A on transcript NM_015346.4 (MANE Select); coding-DNA position 1311, C replaced by A.
Protein change: p.His437Gln; replaces histidine 437 with glutamine.
Molecular consequence: missense variant.
Genome position (GRCh38, 1-based): chr14:67,804,225, G>T on the plus strand (C>A on the coding strand, the complement: ZFYVE26 is on the minus strand). VCF-style: chr14-67804225-G-T. GRCh37 (hg19) VCF-style: chr14-68270942-G-T.
Other names: c.1311C>A (NM_015346.3); short protein forms H437Q.
Identifiers: ClinVar variation 1963253 (VCV001963253.3), dbSNP rs148836697, ClinGen allele CA7240552.